The following is an entry in ClinVar:

ClinVar aggregate classification (germline): Pathogenic. Review status: criteria provided, multiple submitters, no conflicts (2 of 4 stars). 2 submissions from 2 submitters: Pathogenic (2). Last evaluated 2023-03-20.

Conditions:
Wilson disease (WND). Also called: Wilson's disease. Identifiers: Orphanet 905, MedGen C0019202, MONDO:0010200, OMIM 277900. Disease mechanism: loss of function.

Allele frequency attached by ClinVar (database versions not stated): gnomAD exomes below 0.00001.
gnomAD v4.1: 2 of 1,614,188 alleles (0.00012%); highest among the groups gnomAD compares: South Asian, 0.0011%; no homozygotes.

Submissions (2):

Baylor Genetics
Classification: Pathogenic for Wilson disease. Last evaluated: 2023-03-20. Review status: criteria provided, single submitter. Criteria: ACMG Guidelines, 2015. Collection method: clinical testing. Allele origin: unknown.

Labcorp Genetics (formerly Invitae), Labcorp
Classification: Pathogenic for Wilson disease. Last evaluated: 2022-07-18. Review status: criteria provided, single submitter. Criteria: Invitae Variant Classification Sherloc (09022015). Collection method: clinical testing. Allele origin: germline.
Comment: For these reasons, this variant has been classified as Pathogenic. Studies have shown that disruption of this splice site results in retention of 106 nucleotides of intron 3 and introduces a premature termination codon (PMID: 15024742). The resulting mRNA is expected to undergo nonsense-mediated decay. ClinVar contains an entry for this variant (Variation ID: 1453539). Disruption of this splice site has been observed in individual(s) with Wilson disease (PMID: 9671269, 15024742, 21796144, 30120852; Invitae). This variant is present in population databases (no rsID available, gnomAD 0.003%). This sequence change affects a donor splice site in intron 3 of the ATP7B gene. RNA analysis indicates that disruption of this splice site induces altered splicing and may result in an absent or disrupted protein product.

Literature cited by the submitters: PubMed 15024742 (cited by Labcorp Genetics (formerly Invitae), Labcorp); PubMed 9671269 (cited by Labcorp Genetics (formerly Invitae), Labcorp); PubMed 21796144 (cited by Labcorp Genetics (formerly Invitae), Labcorp); PubMed 30120852 (cited by Labcorp Genetics (formerly Invitae), Labcorp).

NM_000053.4(ATP7B):c.1543+1G>C

Gene: ATP7B (ATPase copper transporting beta; minus strand). Cytogenetic location: 13q14.3.
Variant type: single nucleotide variant.
Coding change: c.1543+1G>C on transcript NM_000053.4 (MANE Select); the canonical splice donor site of the intron after coding-DNA position 1543, G replaced by C.
Molecular consequence: splice donor variant. On other transcripts: intron variant (1).
Genome position (GRCh38, 1-based): chr13:51,970,491, C>G on the plus strand (G>C on the coding strand, the complement: ATP7B is on the minus strand). VCF-style: chr13-51970491-C-G. GRCh37 (hg19) VCF-style: chr13-52544627-C-G.
Other names: c.1543+1G>C (NM_001406541.1, NM_001406531.1, NM_001406527.1 and 28 more transcripts); c.1447+1G>C (NM_001406543.1, NM_001406518.1, NM_001406544.1 and 3 more transcripts); c.1210+1G>C (NM_001243182.2); c.1285+3444G>C (NM_001406548.1); c.1114+1G>C (NM_001406539.1).
Identifiers: ClinVar variation 1453539 (VCV001453539.7), dbSNP rs1360279134, ClinGen allele CA388035011.
Genomic context (GRCh38, chr13:51,970,491, plus strand): 5'-AGGGAGAATACGAGGTCTATACGCAGCATTCCTAAGTTCAACATGGGCGTTCATCTCTTA[C>G]CAGCTTCTTTCTGCAGATTCCTTTCTATGTTAGACACACAGGATGCACAGGTCATGCCTT-3'